The following is an entry in ClinVar:

ClinVar aggregate classification (germline): Conflicting classifications of pathogenicity. Review status: criteria provided, conflicting classifications (1 of 4 stars). 2 submissions from 2 submitters: Uncertain significance (1); Likely benign (1). Last evaluated 2025-04-08.

Conditions:
Inborn genetic diseases. Identifiers: MedGen C0950123, MeSH D030342.

Allele frequency attached by ClinVar (database versions not stated): gnomAD 0.00001; TOPMed 0.00001; ExAC 0.00002.
gnomAD v4.1: 23 of 1,613,788 alleles (0.0014%); highest among the groups gnomAD compares: Admixed American, 0.0033%; no homozygotes.

Submissions (2):

Labcorp Genetics (formerly Invitae), Labcorp
Classification: Likely benign. Last evaluated: 2025-04-08. Review status: criteria provided, single submitter. Criteria: Invitae Variant Classification Sherloc (09022015). Collection method: clinical testing. Allele origin: germline.

Ambry Genetics
Classification: Uncertain significance for Inborn genetic diseases. Last evaluated: 2018-05-21. Review status: criteria provided, single submitter. Criteria: Ambry Variant Classification Scheme 2023. Collection method: clinical testing. Allele origin: germline.
Comment: The p.R1433C variant (also known as c.4297C>T), located in coding exon 21 of the CHD8 gene, results from a C to T substitution at nucleotide position 4297. The arginine at codon 1433 is replaced by cysteine, an amino acid with highly dissimilar properties. This amino acid position is well conserved in available vertebrate species. In addition, the in silico prediction for this alteration is inconclusive. Since supporting evidence is limited at this time, the clinical significance of this alteration remains unclear.

NM_001170629.2(CHD8):c.4297C>T (p.Arg1433Cys)

Gene: CHD8 (chromodomain helicase DNA binding protein 8; minus strand). Cytogenetic location: 14q11.2.
Variant type: single nucleotide variant.
Coding change: c.4297C>T on transcript NM_001170629.2 (MANE Select); coding-DNA position 4297, C replaced by T.
Protein change: p.Arg1433Cys; replaces arginine 1433 with cysteine.
Molecular consequence: missense variant.
Genome position (GRCh38, 1-based): chr14:21,400,948, G>A on the plus strand (C>T on the coding strand, the complement: CHD8 is on the minus strand). VCF-style: chr14-21400948-G-A. GRCh37 (hg19) VCF-style: chr14-21869107-G-A.
Other names: c.3460C>T, p.Arg1154Cys (NM_020920.4); short protein forms R1433C, R1154C.
Identifiers: ClinVar variation 1739474 (VCV001739474.7), dbSNP rs765571443, ClinGen allele CA7091258.